The following is an entry in ClinVar:

NM_001256007.3(PNPLA8):c.777C>A (p.Gly259=)

Gene: PNPLA8 (patatin like domain 8, phospholipase A2; minus strand). Cytogenetic location: 7q31.1.
Variant type: single nucleotide variant.
Coding change: c.777C>A on transcript NM_001256007.3 (MANE Select); coding-DNA position 777, C replaced by A.
Protein change: p.Gly259=; no amino-acid change (glycine 259 retained).
Molecular consequence: synonymous variant.
Genome position (GRCh38, 1-based): chr7:108,514,715, G>T on the plus strand (C>A on the coding strand, the complement: PNPLA8 is on the minus strand). VCF-style: chr7-108514715-G-T. GRCh37 (hg19) VCF-style: chr7-108155159-G-T.
Other names: c.777C>A, p.Gly259= (NM_001256008.3, NM_001256009.3, NM_015723.5); c.477C>A, p.Gly159= (NM_001256010.3, NM_001256011.3).
Identifiers: ClinVar variation 3388814 (VCV003388814.14).

ClinVar aggregate classification (germline): Likely benign (1 of 4 stars; one submission).

Submission:

CeGaT Center for Human Genetics Tuebingen
Classification: Likely benign. Last evaluated: 2024-11-01. Review status: criteria provided, single submitter. Criteria: CeGaT Center For Human Genetics Tuebingen Variant Classification Criteria Version 2. Collection method: clinical testing. Allele origin: germline. Affected: yes. Observed: 2 variant alleles.
Comment: PNPLA8: PM2:Supporting, BP4, BP7